The following is an entry in ClinVar:

NM_002485.5(NBN):c.702+1G>T

Gene: NBN (nibrin; minus strand). Cytogenetic location: 8q21.3.
Variant type: single nucleotide variant.
Coding change: c.702+1G>T on transcript NM_002485.5 (MANE Select); the canonical splice donor site of the intron after coding-DNA position 702, G replaced by T.
Molecular consequence: splice donor variant.
Genome position (GRCh38, 1-based): chr8:89,971,172, C>A on the plus strand (G>T on the coding strand, the complement: NBN is on the minus strand). VCF-style: chr8-89971172-C-A. GRCh37 (hg19) VCF-style: chr8-90983400-C-A.
Other names: c.456+1G>T (NM_001024688.3).
Identifiers: ClinVar variation 419245 (VCV000419245.11), dbSNP rs1057517104, ClinGen allele CA16618704.

ClinVar aggregate classification (germline): Likely pathogenic. Review status: criteria provided, multiple submitters, no conflicts (2 of 4 stars). 2 submissions from 2 submitters: Likely pathogenic (2). Last evaluated 2025-03-05.

Conditions:
Microcephaly, normal intelligence and immunodeficiency (NBS). Also called: BERLIN BREAKAGE SYNDROME; SEEMANOVA SYNDROME II; Immunodeficiency, microcephaly with normal intelligence; Nijmegen breakage syndrome; Microcephaly with normal intelligence immunodeficiency and lymphoreticular malignancies; Nonsyndromal microcephaly autosomal recessive with normal intelligence. Identifiers: Orphanet 647, MedGen C0398791, MONDO:0009623, OMIM 251260.

Submissions (2):

Labcorp Genetics (formerly Invitae), Labcorp
Classification: Likely pathogenic for Microcephaly, normal intelligence and immunodeficiency. Last evaluated: 2025-03-05. Review status: criteria provided, single submitter. Criteria: Invitae Variant Classification Sherloc (09022015). Collection method: clinical testing. Allele origin: germline.
Comment: This sequence change affects a donor splice site in intron 6 of the NBN gene. RNA analysis indicates that disruption of this splice site induces altered splicing and may result in an absent or altered protein product. This variant is not present in population databases (gnomAD no frequency). This variant has not been reported in the literature in individuals affected with NBN-related conditions. ClinVar contains an entry for this variant (Variation ID: 419245). Studies have shown that disruption of this splice site results in skipping of exon 6, and produces a non-functional protein and/or introduces a premature termination codon (internal data). In summary, the currently available evidence indicates that the variant is pathogenic, but additional data are needed to prove that conclusively. Therefore, this variant has been classified as Likely Pathogenic.

GeneDx
Classification: Likely pathogenic. Last evaluated: 2021-11-18. Review status: criteria provided, single submitter. Criteria: GeneDx Variant Classification Process June 2021. Collection method: clinical testing. Allele origin: germline. Affected: yes.
Comment: Canonical splice site variant predicted to result in a null allele in a gene for which loss-of-function is a known mechanism of disease; Not observed at significant frequency in large population cohorts (Lek et al., 2016); Has not been previously published as pathogenic or benign to our knowledge